The following is an entry in ClinVar:

NM_181078.3(IL21R):c.1286G>C (p.Gly429Ala)

Genes: IL21R (interleukin 21 receptor; plus strand), IL21R-AS1 (IL21R antisense RNA 1; minus strand). Cytogenetic location: 16p12.1.
Variant type: single nucleotide variant.
Coding change: c.1286G>C on transcript NM_181078.3 (MANE Select); coding-DNA position 1286, G replaced by C.
Protein change: p.Gly429Ala; replaces glycine 429 with alanine.
Molecular consequence: missense variant. On other transcripts: non-coding transcript variant (1).
Genome position (GRCh38, 1-based): chr16:27,448,952, G>C. VCF-style: chr16-27448952-G-C. GRCh37 (hg19) VCF-style: chr16-27460273-G-C.
Other names: c.1286G>C, p.Gly429Ala (NM_021798.4); c.1352G>C, p.Gly451Ala (NM_181079.5); short protein forms G429A, G451A.
Identifiers: ClinVar variation 1032884 (VCV001032884.1), dbSNP rs764788674, ClinGen allele CA7975182.

ClinVar aggregate classification (germline): Uncertain significance (1 of 4 stars; one submission).

Conditions:
Cryptosporidiosis-chronic cholangitis-liver disease syndrome. Also called: Immunodeficiency type 56; IL21R immunodeficiency. Identifiers: Orphanet 357329, MedGen C3554687, MONDO:0014082, OMIM 615207.

Allele frequency attached by ClinVar (database versions not stated): gnomAD 0.00001; TOPMed below 0.00001; gnomAD exomes 0.00002; ExAC 0.00003.
gnomAD v4.1: 13 of 1,613,142 alleles (0.00081%); highest among the groups gnomAD compares: South Asian, 0.011%; no homozygotes.

Submission:

Baylor Genetics
Classification: Uncertain significance for Cryptosporidiosis-chronic cholangitis-liver disease syndrome. Last evaluated: 2018-03-08. Review status: criteria provided, single submitter. Criteria: ACMG Guidelines, 2015. Collection method: clinical testing. Allele origin: paternal. Affected: yes.
Comment: This variant was determined to be of uncertain significance according to ACMG Guidelines, 2015 [PMID:25741868].